The following is an entry in ClinVar:

NM_000179.3(MSH6):c.3984G>C (p.Gln1328His)

Gene: MSH6 (mutS homolog 6; plus strand). Cytogenetic location: 2p16.3.
Variant type: single nucleotide variant.
Coding change: c.3984G>C on transcript NM_000179.3 (MANE Select); coding-DNA position 3984, G replaced by C.
Protein change: p.Gln1328His; replaces glutamine 1328 with histidine.
Molecular consequence: missense variant.
Genome position (GRCh38, 1-based): chr2:47,806,634, G>C. VCF-style: chr2-47806634-G-C. GRCh37 (hg19) VCF-style: chr2-48033773-G-C.
Other names: c.3078G>C, p.Gln1026His (NM_001406815.1, NM_001406816.1, NM_001406823.1 and 6 more transcripts); c.2418G>C, p.Gln806His (NM_001406817.1); c.3687G>C, p.Gln1229His (NM_001406818.1, NM_001406819.1, NM_001406820.1 and 10 more transcripts); c.3594G>C, p.Gln1198His (NM_001281492.2); c.4080G>C, p.Gln1360His (NM_001406795.1); c.3984G>C, p.Gln1328His (NM_001406796.1, NM_001406808.1, NM_001406809.1); c.3810G>C, p.Gln1270His (NM_001406798.1); c.3459G>C, p.Gln1153His (NM_001406799.1, NM_001406806.1, NM_001406807.1); and 8 more; short protein forms Q1153H, Q1198H, Q1330H, Q1229H, Q643H, Q806H, Q1040H, Q1270H.
Identifiers: ClinVar variation 1990648 (VCV001990648.5), dbSNP rs1670149814, ClinGen allele CA346761583.

ClinVar aggregate classification (germline): Uncertain significance. Review status: criteria provided, multiple submitters, no conflicts (2 of 4 stars). 2 submissions from 2 submitters: Uncertain significance (2). Last evaluated 2026-08-24.

Conditions:
Hereditary nonpolyposis colorectal neoplasms. Identifiers: MedGen C0009405, MeSH D003123.
Hereditary cancer-predisposing syndrome. Also called: Hereditary neoplastic syndrome; Neoplastic Syndromes, Hereditary; Tumor predisposition; Hereditary Cancer Syndrome. Identifiers: Orphanet 140162, MedGen C0027672, MeSH D009386, MONDO:0015356.

Allele frequency attached by ClinVar (database versions not stated): TOPMed below 0.00001.

Submissions (2):

Ambry Genetics
Classification: Uncertain significance for Hereditary cancer-predisposing syndrome. Last evaluated: 2026-08-24. Review status: criteria provided, single submitter. Criteria: Ambry Variant Classification Scheme 2023. Collection method: clinical testing. Allele origin: germline.
Comment: The p.Q1328H variant (also known as c.3984G>C), located in coding exon 9 of the MSH6 gene, results from a G to C substitution at nucleotide position 3984. The glutamine at codon 1328 is replaced by histidine, an amino acid with highly similar properties. This amino acid position is conserved. In addition, this alteration is predicted to be tolerated by in silico analysis. Based on the available evidence, the clinical significance of this variant remains unclear.

Labcorp Genetics (formerly Invitae), Labcorp
Classification: Uncertain significance for Hereditary nonpolyposis colorectal neoplasms. Last evaluated: 2025-08-18. Review status: criteria provided, single submitter. Criteria: Invitae Variant Classification Sherloc (09022015). Collection method: clinical testing. Allele origin: germline.
Comment: This sequence change replaces glutamine, which is neutral and polar, with histidine, which is basic and polar, at codon 1328 of the MSH6 protein (p.Gln1328His). This variant is not present in population databases (gnomAD no frequency). This variant has not been reported in the literature in individuals affected with MSH6-related conditions. ClinVar contains an entry for this variant (Variation ID: 1990648). Invitae Evidence Modeling of protein sequence and biophysical properties (such as structural, functional, and spatial information, amino acid conservation, physicochemical variation, residue mobility, and thermodynamic stability) indicates that this missense variant is not expected to disrupt MSH6 protein function with a negative predictive value of 95%. In summary, the available evidence is currently insufficient to determine the role of this variant in disease. Therefore, it has been classified as a Variant of Uncertain Significance.